The following is an entry in ClinVar:

ClinVar aggregate classification (germline): Uncertain significance (1 of 4 stars; one submission).

Submission:

Women's Health and Genetics/Laboratory Corporation of America, LabCorp
Classification: Uncertain significance. Last evaluated: 2024-04-30. Review status: criteria provided, single submitter. Criteria: LabCorp Variant Classification Summary - May 2015. Collection method: clinical testing. Allele origin: germline.
Comment: Variant summary: SLC44A4 c.1834G>A (p.Val612Ile) results in a conservative amino acid change in the encoded protein sequence. Four of five in-silico tools predict a benign effect of the variant on protein function. Consensus agreement among computation tools predict no significant impact on normal splicing. However, these predictions have yet to be confirmed by functional studies. The variant was absent in 250324 control chromosomes. The available data on variant occurrences in the general population are insufficient to allow any conclusion about variant significance. To our knowledge, no occurrence of c.1834G>A in individuals affected with Hearing Loss, Autosomal Dominant 72 and no experimental evidence demonstrating its impact on protein function have been reported. No submitters have cited clinical-significance assessments for this variant to ClinVar. Based on the evidence outlined above, the variant was classified as uncertain significance.

NM_025257.3(SLC44A4):c.1834G>A (p.Val612Ile)

Gene: SLC44A4 (solute carrier family 44 member 4; minus strand). Cytogenetic location: 6p21.33.
Variant type: single nucleotide variant.
Coding change: c.1834G>A on transcript NM_025257.3 (MANE Select); coding-DNA position 1834, G replaced by A.
Protein change: p.Val612Ile; replaces valine 612 with isoleucine.
Molecular consequence: missense variant.
Genome position (GRCh38, 1-based): chr6:31,864,908, C>T on the plus strand (G>A on the coding strand, the complement: SLC44A4 is on the minus strand). VCF-style: chr6-31864908-C-T. GRCh37 (hg19) VCF-style: chr6-31832685-C-T.
Other names: c.1708G>A, p.Val570Ile (NM_001178044.2); c.1606G>A, p.Val536Ile (NM_001178045.2); short protein forms V536I, V570I, V612I.
Identifiers: ClinVar variation 3251743 (VCV003251743.1), dbSNP rs1428832985.